The following is an entry in ClinVar:

ClinVar aggregate classification (germline): Pathogenic (1 of 4 stars; one submission).

Conditions:
Emery-Dreifuss muscular dystrophy 4, autosomal dominant (EDMD4). Also called: EMERY-DREIFUSS MUSCULAR DYSTROPHY 4 WITH VARIABLE FEATURES. Identifiers: Orphanet 261, MedGen C2751807, MONDO:0013071, OMIM 612998.
Autosomal recessive ataxia, Beauce type. Also called: Spinocerebellar ataxia, autosomal recessive 8; ATAXIA, RECESSIVE, OF BEAUCE; SYNE1-Related Autosomal Recessive Cerebellar Ataxia; SYNE1 Deficiency. Identifiers: Orphanet 88644, MedGen C1853116, MONDO:0012549, OMIM 610743.

Submission:

Labcorp Genetics (formerly Invitae), Labcorp
Classification: Pathogenic for Emery-Dreifuss muscular dystrophy 4, autosomal dominant; Autosomal recessive ataxia, Beauce type. Last evaluated: 2022-08-16. Review status: criteria provided, single submitter. Criteria: Invitae Variant Classification Sherloc (09022015). Collection method: clinical testing. Allele origin: germline.
Comment: For these reasons, this variant has been classified as Pathogenic. ClinVar contains an entry for this variant (Variation ID: 650230). This variant has not been reported in the literature in individuals affected with SYNE1-related conditions. This variant is not present in population databases (gnomAD no frequency). This sequence change creates a premature translational stop signal (p.Leu191*) in the SYNE1 gene. It is expected to result in an absent or disrupted protein product. Loss-of-function variants in SYNE1 are known to be pathogenic (PMID: 19542096, 24319099, 27086870).

Literature cited by the submitters: PubMed 19542096; PubMed 24319099; PubMed 27086870.

NM_182961.4(SYNE1):c.551T>A (p.Leu184Ter)

Gene: SYNE1 (spectrin repeat containing nuclear envelope protein 1; minus strand). Cytogenetic location: 6q25.2.
Variant type: single nucleotide variant.
Coding change: c.551T>A on transcript NM_182961.4 (MANE Select); coding-DNA position 551, T replaced by A.
Protein change: p.Leu184Ter; replaces leucine 184 with a stop codon.
Molecular consequence: nonsense.
Genome position (GRCh38, 1-based): chr6:152,510,223, A>T on the plus strand (T>A on the coding strand, the complement: SYNE1 is on the minus strand). VCF-style: chr6-152510223-A-T. GRCh37 (hg19) VCF-style: chr6-152831358-A-T.
Other names: c.572T>A, p.Leu191Ter (NM_033071.5); short protein forms L184*, L191*.
Identifiers: ClinVar variation 650230 (VCV000650230.6), dbSNP rs1466752822, ClinGen allele CA366150437.